The following is an entry in ClinVar:

NM_001374736.1(DST):c.20404G>A (p.Glu6802Lys)

Gene: DST (dystonin; minus strand). Cytogenetic location: 6p12.1.
Variant type: single nucleotide variant.
Coding change: c.20404G>A on transcript NM_001374736.1 (MANE Select); coding-DNA position 20404, G replaced by A.
Protein change: p.Glu6802Lys; replaces glutamic acid 6802 with lysine.
Molecular consequence: missense variant.
Genome position (GRCh38, 1-based): chr6:56,493,080, C>T on the plus strand (G>A on the coding strand, the complement: DST is on the minus strand). VCF-style: chr6-56493080-C-T. GRCh37 (hg19) VCF-style: chr6-56357878-C-T.
Other names: c.14047G>A, p.Glu4683Lys (NM_001144769.5); c.13633G>A, p.Glu4545Lys (NM_001144770.2); c.20404G>A, p.Glu6802Lys (NM_001374722.1); c.19444G>A, p.Glu6482Lys (NM_001374729.1); c.13186G>A, p.Glu4396Lys (NM_001374730.1); c.20431G>A, p.Glu6811Lys (NM_001374734.1); c.13513G>A, p.Glu4505Lys (NM_001386100.1, NM_183380.4); c.12535G>A, p.Glu4179Lys (NM_015548.5); short protein forms E4396K, E4505K, E4545K, E6482K, E6811K, E6802K, E4179K, E4683K.
Identifiers: ClinVar variation 1771865 (VCV001771865.2), dbSNP rs2533957291, ClinGen allele CA364516346.
Genomic context (GRCh38, chr6:56,493,080, plus strand): 5'-GCCAGTTGATGAAGTCTTGGAGAGAATTGTGGAACTCCATTGCCAAGTTGAGAGCCTCTT[C>T]CAGTTTAGTCTGCAAGGACAGATTGTTTAGTATGTGATGTTTAAGGGCCTTGGTTATTTT-3'
Protein context (NP_001361665.1, residues 6792-6812): TKLNERKTKL[Glu6802Lys]EALNLAMEFH

ClinVar aggregate classification (germline): Uncertain significance (1 of 4 stars; one submission).

Conditions:
Inborn genetic diseases. Identifiers: MedGen C0950123, MeSH D030342.

Allele frequency attached by ClinVar (database versions not stated): gnomAD exomes below 0.00001.
gnomAD v4.1: 2 of 1,610,316 alleles (0.00012%); highest among the groups gnomAD compares: Non-Finnish European, 0.00017%; no homozygotes.

Submission:

Ambry Genetics
Classification: Uncertain significance for Inborn genetic diseases. Last evaluated: 2020-10-27. Review status: criteria provided, single submitter. Criteria: Ambry Variant Classification Scheme 2023. Collection method: clinical testing. Allele origin: germline.
Comment: The p.E4683K variant (also known as c.14047G>A), located in coding exon 78 of the DST gene, results from a G to A substitution at nucleotide position 14047. The glutamic acid at codon 4683 is replaced by lysine, an amino acid with similar properties. This amino acid position is highly conserved in available vertebrate species. In addition, this alteration is predicted to be deleterious by in silico analysis. Since supporting evidence is limited at this time, the clinical significance of this alteration remains unclear.